The following is an entry in ClinVar:

ClinVar aggregate classification (germline): Pathogenic. Review status: criteria provided, single submitter (1 of 4 stars). 2 submissions from 2 submitters: Pathogenic (1). 1 of the submissions does not count toward it. Last evaluated 2025-05-18.

Conditions:
Granulomatous disease, chronic, X-linked. Also called: GRANULOMATOUS DISEASE, CHRONIC, X-LINKED, SOMATIC MOSAIC; CYTOCHROME b-NEGATIVE GRANULOMATOUS DISEASE, CHRONIC, X-LINKED. Identifiers: Orphanet 379, MedGen C1844376, MONDO:0010600, OMIM 306400.

Submissions (2):

Labcorp Genetics (formerly Invitae), Labcorp
Classification: Pathogenic for Granulomatous disease, chronic, X-linked. Last evaluated: 2025-05-18. Review status: criteria provided, single submitter. Criteria: Invitae Variant Classification Sherloc (09022015). Collection method: clinical testing. Allele origin: germline.
Comment: This sequence change falls in intron 1 of the CYBB gene. It does not directly change the encoded amino acid sequence of the CYBB protein. It affects a nucleotide within the consensus splice site. This variant is not present in population databases (gnomAD no frequency). This variant has been observed in individuals with chronic granulomatous disease (PMID: 9585602; internal data). ClinVar contains an entry for this variant (Variation ID: 10939). Algorithms developed to predict the effect of variants on gene product structure and function are not available or were not evaluated for this variant. Experimental studies have shown that this variant affects CYBB function (PMID: 9585602, 10828042). Variants that disrupt the consensus splice site are a relatively common cause of aberrant splicing (PMID: 17576681, 9536098). Algorithms developed to predict the effect of sequence changes on RNA splicing suggest that this variant may disrupt the consensus splice site. For these reasons, this variant has been classified as Pathogenic.

OMIM
Classification: Pathogenic for GRANULOMATOUS DISEASE, CHRONIC, X-LINKED. Last evaluated: 2000-06-01. Review status: no assertion criteria provided. Collection method: literature only. Allele origin: germline. Not counted in ClinVar's aggregate classification.

Literature cited by the submitters: PubMed 9585602 (cited by Labcorp Genetics (formerly Invitae), Labcorp and OMIM); PubMed 10828042 (cited by Labcorp Genetics (formerly Invitae), Labcorp and OMIM); PubMed 17576681 (cited by Labcorp Genetics (formerly Invitae), Labcorp); PubMed 9536098 (cited by Labcorp Genetics (formerly Invitae), Labcorp); PubMed 2838754 (cited by OMIM).

NM_000397.4(CYBB):c.45+6T>C

Genes: CYBB (cytochrome b-245 beta chain; plus strand), LOC130068093 (ATAC-STARR-seq lymphoblastoid active region 29519; plus strand). Cytogenetic location: Xp21.1.
Variant type: single nucleotide variant.
Coding change: c.45+6T>C on transcript NM_000397.4 (MANE Select); 6 bases into the intron after coding-DNA position 45, T replaced by C.
Molecular consequence: intron variant.
Genome position (GRCh38, 1-based): chrX:37,780,128, T>C. VCF-style: chrX-37780128-T-C. GRCh37 (hg19) VCF-style: chrX-37639381-T-C.
Other names: IVS1, T-C, +6.
Identifiers: ClinVar variation 10939 (VCV000010939.4), dbSNP rs1569478551, ClinGen allele CA891841746.